The following is an entry in ClinVar:

NM_000100.3(CSTB):c.-42C>T

Genes: CSTB (cystatin B; minus strand), LOC130066788 (ATAC-STARR-seq lymphoblastoid silent region 13368; plus strand). Cytogenetic location: 21q22.3.
Variant type: single nucleotide variant.
Coding change: c.-42C>T on transcript NM_000100.3; 42 bases upstream of the start codon, C replaced by T.
Genome position (GRCh38, 1-based): chr21:43,776,311, G>A on the plus strand (C>T on the coding strand, the complement: CSTB is on the minus strand). VCF-style: chr21-43776311-G-A. GRCh37 (hg19) VCF-style: chr21-45196192-G-A.
Identifiers: ClinVar variation 340122 (VCV000340122.9), dbSNP rs776181852, ClinGen allele CA10048958.

ClinVar aggregate classification (germline): Conflicting classifications of pathogenicity. Review status: criteria provided, conflicting classifications (1 of 4 stars). 2 submissions from 2 submitters: Uncertain significance (1); Benign (1). Last evaluated 2018-01-12.

Conditions:
Unverricht-Lundborg syndrome. Also called: Unverricht-Lundborg Disease; EPILEPSY, PROGRESSIVE MYOCLONIC, 1A; Progressive myoclonus epilepsy baltic myoclonic epilepsy; Myoclonus progressive epilepsy of Unverricht and Lundborg; Epilepsy, progressive myoclonic 1A (Unverricht and Lundborg); Myoclonic epilepsy of unverricht and lundborg. Identifiers: Orphanet 308, MedGen C0751785, MONDO:0009698, OMIM 254800.

Allele frequency attached by ClinVar (database versions not stated): gnomAD 0.00016; TOPMed 0.00020.

Submissions (3):

Illumina Laboratory Services, Illumina
Classification: Uncertain significance for Unverricht-Lundborg syndrome. Last evaluated: 2018-01-12. Review status: criteria provided, single submitter. Criteria: ICSL Variant Classification Criteria 13 December 2019. Collection method: clinical testing. Allele origin: germline.

GeneDx
Classification: Benign. Last evaluated: 2015-03-20. Review status: criteria provided, single submitter. Criteria: GeneDx Variant Classification (06012015). Collection method: clinical testing. Allele origin: germline. Affected: yes.
Comment: This variant is considered likely benign or benign based on one or more of the following criteria: it is a conservative change, it occurs at a poorly conserved position in the protein, it is predicted to be benign by multiple in silico algorithms, and/or has population frequency not consistent with disease.

Seelig Lab, University of Washington
No classification provided (evidence only). Review status: no classification provided. Collection method: in vitro. Allele origin: not applicable. Functional consequence: effect on translation. Not counted in ClinVar's aggregate classification.
ClinVar note: "not provided" was previously submitted as the classification for the variant. However, the classification appeared to be based only on an observation of functional data so it was converted to no classification on 2025-07-30.